The following is an entry in ClinVar:

ClinVar aggregate classification (germline): Uncertain significance. Review status: criteria provided, multiple submitters, no conflicts (2 of 4 stars). 2 submissions from 2 submitters: Uncertain significance (2). Last evaluated 2026-05-12.

Conditions:
Inborn genetic diseases. Identifiers: MedGen C0950123, MeSH D030342.

gnomAD v4.1: 1 of 1,614,154 alleles (0.000062%); highest among the groups gnomAD compares: Non-Finnish European, 0.000085%; no homozygotes.

Submissions (2):

Ambry Genetics
Classification: Uncertain significance for Inborn genetic diseases. Last evaluated: 2026-05-12. Review status: criteria provided, single submitter. Criteria: Ambry Variant Classification Scheme 2023. Collection method: clinical testing. Allele origin: germline.

Women's Health and Genetics/Laboratory Corporation of America, LabCorp
Classification: Uncertain significance. Last evaluated: 2026-04-06. Review status: criteria provided, single submitter. Criteria: LabCorp Variant Classification Summary - May 2015. Collection method: clinical testing. Allele origin: germline.
Comment: Variant summary: CAMK2A c.785C>T (p.Ala262Val) results in a non-conservative amino acid change in the encoded protein sequence. Algorithms developed to predict the effect of missense changes on protein structure and function are either unavailable or do not agree on the potential impact of this missense change. The variant was absent in 249540 control chromosomes. The available data on variant occurrences in the general population are insufficient to allow any conclusion about variant significance. To our knowledge, no occurrence of c.785C>T in individuals affected with CAMK2A-related conditions and no experimental evidence demonstrating its impact on protein function have been reported. No submitters have cited clinical-significance assessments for this variant to ClinVar. Based on the evidence outlined above, the variant was classified as uncertain significance.

NM_015981.4(CAMK2A):c.785C>T (p.Ala262Val)

Gene: CAMK2A (calcium/calmodulin dependent protein kinase II alpha; minus strand). Cytogenetic location: 5q32.
Variant type: single nucleotide variant.
Coding change: c.785C>T on transcript NM_015981.4 (MANE Select); coding-DNA position 785, C replaced by T.
Protein change: p.Ala262Val; replaces alanine 262 with valine.
Molecular consequence: missense variant.
Genome position (GRCh38, 1-based): chr5:150,250,719, G>A on the plus strand (C>T on the coding strand, the complement: CAMK2A is on the minus strand). VCF-style: chr5-150250719-G-A. GRCh37 (hg19) VCF-style: chr5-149630282-G-A.
Other names: c.785C>T (NM_015981.3); c.785C>T, p.Ala262Val (NM_001363989.1, NM_001363990.1, NM_001369025.2 and 1 more transcripts); short protein forms A262V.
Identifiers: ClinVar variation 4848875 (VCV004848875.2).